The following is an entry in ClinVar:

ClinVar aggregate classification (germline): Pathogenic (1 of 4 stars; one submission).

Submission:

Labcorp Genetics (formerly Invitae), Labcorp
Classification: Pathogenic. Last evaluated: 2023-02-05. Review status: criteria provided, single submitter. Criteria: Invitae Variant Classification Sherloc (09022015). Collection method: clinical testing. Allele origin: germline.
Comment: For these reasons, this variant has been classified as Pathogenic. This variant has not been reported in the literature in individuals affected with COL11A2-related conditions. This variant is not present in population databases (gnomAD no frequency). This sequence change creates a premature translational stop signal (p.Gly1402Valfs*16) in the COL11A2 gene. It is expected to result in an absent or disrupted protein product. Loss-of-function variants in COL11A2 are known to be pathogenic (PMID: 10677296, 21204229).

Literature cited by the submitters: PubMed 10677296; PubMed 21204229.

NM_080680.3(COL11A2):c.4205_4208del (p.Gly1402fs)

Gene: COL11A2 (collagen type XI alpha 2 chain; minus strand). Cytogenetic location: 6p21.32.
Variant type: Deletion.
Coding change: c.4205_4208del on transcript NM_080680.3 (MANE Select); coding-DNA positions 4205 to 4208, 4 bases deleted (GCGA; older notation c.4205_4208delGCGA).
Protein change: p.Gly1402fs; shifts the reading frame from glycine 1402.
Molecular consequence: frameshift variant.
Genome position (GRCh38, 1-based): chr6:33,167,092-33,167,095, TCGC deleted on the plus strand (GCGA on the coding strand, the reverse complement: COL11A2 is on the minus strand). VCF-style (leftmost placement, unchanged base first): chr6-33167091-ATCGC-A. GRCh37 (hg19) VCF-style: chr6-33134868-ATCGC-A.
Other names: c.2159_2162del, p.Gly720fs (NM_001424112.1); c.3884_3887del, p.Gly1295fs (NM_080679.3); c.3947_3950del, p.Gly1316fs (NM_080681.3); c.4025_4028del, p.Gly1342fs (NM_001424108.1); c.3359_3362del, p.Gly1120fs (NM_001424109.1); c.3179_3182del, p.Gly1060fs (NM_001424110.1, NM_001424111.1); short protein forms G1295fs, G720fs, G1060fs, G1120fs, G1316fs, G1342fs, G1402fs.
Identifiers: ClinVar variation 2832841 (VCV002832841.3), dbSNP rs2534553255, ClinGen allele CA2739273027.